The following is an entry in ClinVar:

ClinVar aggregate classification (germline): Uncertain significance (1 of 4 stars; one submission).

Submission:

Labcorp Genetics (formerly Invitae), Labcorp
Classification: Uncertain significance. Last evaluated: 2022-04-11. Review status: criteria provided, single submitter. Criteria: Invitae Variant Classification Sherloc (09022015). Collection method: clinical testing. Allele origin: germline.
Comment: This sequence change replaces alanine, which is neutral and non-polar, with aspartic acid, which is acidic and polar, at codon 46 of the TEAD1 protein (p.Ala46Asp). This variant is not present in population databases (gnomAD no frequency). In summary, the available evidence is currently insufficient to determine the role of this variant in disease. Therefore, it has been classified as a Variant of Uncertain Significance. Algorithms developed to predict the effect of missense changes on protein structure and function are either unavailable or do not agree on the potential impact of this missense change (SIFT: "Deleterious"; PolyPhen-2: "Probably Damaging"; Align-GVGD: "Class C0"). This variant has not been reported in the literature in individuals affected with TEAD1-related conditions.

NM_021961.6(TEAD1):c.137C>A (p.Ala46Asp)

Gene: TEAD1 (TEA domain transcription factor 1; plus strand). Cytogenetic location: 11p15.3.
Variant type: single nucleotide variant.
Coding change: c.137C>A on transcript NM_021961.6 (MANE Select); coding-DNA position 137, C replaced by A.
Protein change: p.Ala46Asp; replaces alanine 46 with aspartic acid.
Molecular consequence: missense variant.
Genome position (GRCh38, 1-based): chr11:12,764,369, C>A. VCF-style: chr11-12764369-C-A. GRCh37 (hg19) VCF-style: chr11-12785916-C-A.
Other names: short protein forms A46D.
Identifiers: ClinVar variation 2124648 (VCV002124648.4), dbSNP rs2494303975, ClinGen allele CA379855703.
Genomic context (GRCh38, chr11:12,764,369, plus strand): 5'-CAATTGACAATGATGCAGAAGGGGTCTGGAGCCCCGACATCGAGCAAAGCTTTCAGGAGG[C>A]CCTGGCTATCTATCCACCATGTGGGAGGAGGAAAATCATCTTATCAGACGAAGGCAAAAT-3'
Protein context (NP_068780.2, residues 36-56): SPDIEQSFQE[Ala46Asp]LAIYPPCGRR